The following is an entry in ClinVar:

NM_006514.4(SCN10A):c.1284G>A (p.Glu428=)

Gene: SCN10A (sodium voltage-gated channel alpha subunit 10; minus strand). Cytogenetic location: 3p22.2.
Variant type: single nucleotide variant.
Coding change: c.1284G>A on transcript NM_006514.4 (MANE Select); coding-DNA position 1284, G replaced by A.
Protein change: p.Glu428=; no amino-acid change (glutamic acid 428 retained).
Molecular consequence: synonymous variant.
Genome position (GRCh38, 1-based): chr3:38,756,680, C>T on the plus strand (G>A on the coding strand, the complement: SCN10A is on the minus strand). VCF-style: chr3-38756680-C-T. GRCh37 (hg19) VCF-style: chr3-38798171-C-T.
Other names: p.Glu428=; c.1284G>A, p.Glu428= (NM_001293306.2, NM_001293307.2).
Identifiers: ClinVar variation 259991 (VCV000259991.22), dbSNP rs62244070, ClinGen allele CA2320921.
Genomic context (GRCh38, chr3:38,756,680, plus strand): 5'-TCCAAGAATGGACAGTCTGCAACCTTCTTCACAAAGCTTCCACTCCTCACAAACCTCCTG[C>T]TCCTTCCGGAGCATCTCGAGGGCCTCCTGGAACTTCTTCTCCTTTGCTTCAATTTCATCA-3'
Protein context (NP_006505.4, residues 418-438): FQEALEMLRK[Glu428=]QEVLAALGID

ClinVar aggregate classification (germline): Benign. Review status: criteria provided, multiple submitters, no conflicts (2 of 4 stars). 11 submissions from 11 submitters: Benign (9). 2 of the submissions do not count toward it. Last evaluated 2026-02-04.

Conditions:
Cardiovascular phenotype. Identifiers: MedGen CN230736.
Episodic pain syndrome, familial, 2 (FEPS2). Identifiers: Orphanet 306577, MedGen C3809893, MONDO:0014246, OMIM 615551.
Brugada syndrome. Also called: Sudden unexpected nocturnal death syndrome; Sudden unexplained nocturnal death syndrome; Sudden Unexplained Death Syndrome; Sudden Unexplained Nocturnal Death Syndrome (SUNDS). Identifiers: Orphanet 130, MedGen C1142166, MONDO:0015263.

Allele frequency attached by ClinVar (database versions not stated): TOPMed 0.19223; gnomAD 0.20052 and 0.20400; 1000 Genomes Project 30x 0.20191; ESP Exome Variant Server 0.20237; 1000 Genomes Project 0.20747; gnomAD exomes 0.23052 and 0.24050; ExAC 0.23438.
gnomAD v4.1: 381,879 of 1,612,192 alleles (24%); highest among the groups gnomAD compares: East Asian, 42%; 47,700 homozygotes.

Submissions (11):

Labcorp Genetics (formerly Invitae), Labcorp
Classification: Benign for Brugada syndrome. Last evaluated: 2026-02-04. Review status: criteria provided, single submitter. Criteria: Invitae Variant Classification Sherloc (09022015). Collection method: clinical testing. Allele origin: germline.

Women's Health and Genetics/Laboratory Corporation of America, LabCorp
Classification: Benign. Last evaluated: 2023-04-09. Review status: criteria provided, single submitter. Criteria: LabCorp Variant Classification Summary - May 2015. Collection method: clinical testing. Allele origin: germline.

Genome-Nilou Lab
Classification: Benign for Episodic pain syndrome, familial, 2. Last evaluated: 2021-07-15. Review status: criteria provided, single submitter. Criteria: ACMG Guidelines, 2015. Collection method: clinical testing. Allele origin: germline. Affected: no.

Ambry Genetics
Classification: Benign for Cardiovascular phenotype. Last evaluated: 2018-12-21. Review status: criteria provided, single submitter. Criteria: Ambry Variant Classification Scheme 2023. Collection method: clinical testing. Allele origin: germline.

Mayo Clinic Laboratories, Mayo Clinic
Classification: Benign. Last evaluated: 2017-07-25. Review status: criteria provided, single submitter. Criteria: ACMG Guidelines, 2015. Collection method: clinical testing. Allele origin: germline. Observed: 606 variant alleles.

Molecular Diagnostic Laboratory for Inherited Cardiovascular Disease, Montreal Heart Institute
Classification: Benign. Last evaluated: 2017-06-17. Review status: criteria provided, single submitter. Criteria: ACMG Guidelines, 2015. Collection method: clinical testing. Allele origin: germline. Affected: yes.

GeneDx
Classification: Benign. Last evaluated: 2016-09-22. Review status: criteria provided, single submitter. Criteria: GeneDx Variant Classification (06012015). Collection method: clinical testing. Allele origin: germline. Affected: yes.
Comment: This variant is considered likely benign or benign based on one or more of the following criteria: it is a conservative change, it occurs at a poorly conserved position in the protein, it is predicted to be benign by multiple in silico algorithms, and/or has population frequency not consistent with disease.

Breakthrough Genomics
Classification: Benign. Review status: criteria provided, single submitter. Criteria: ACMG Guidelines, 2015. Collection method: not provided. Allele origin: germline. Inheritance: Autosomal dominant inheritance. Affected: yes.

PreventionGenetics, part of Exact Sciences
Classification: Benign. Review status: criteria provided, single submitter. Criteria: ACMG Guidelines, 2015. Collection method: clinical testing. Allele origin: germline.

Clinical Genetics, Academic Medical Center
Classification: Benign. Review status: no assertion criteria provided. Collection method: clinical testing. Allele origin: germline. Affected: yes. Study: VKGL Data-share Consensus. Not counted in ClinVar's aggregate classification.

Joint Genome Diagnostic Labs from Nijmegen and Maastricht, Radboudumc and MUMC+
Classification: Benign. Review status: no assertion criteria provided. Collection method: clinical testing. Allele origin: germline. Affected: yes. Study: VKGL Data-share Consensus. Not counted in ClinVar's aggregate classification.